The following is an entry in ClinVar:

ClinVar aggregate classification (germline): Uncertain significance. Review status: criteria provided, multiple submitters, no conflicts (2 of 4 stars). 2 submissions from 2 submitters: Uncertain significance (2). Last evaluated 2023-06-29.

Allele frequency attached by ClinVar (database versions not stated): ExAC 0.00001; gnomAD exomes 0.00001 and 0.00006; gnomAD 0.00003; TOPMed 0.00004; ESP Exome Variant Server 0.00008.
gnomAD v4.1: 92 of 1,614,112 alleles (0.0057%); highest among the groups gnomAD compares: Non-Finnish European, 0.0074%; no homozygotes.

Submissions (2):

Labcorp Genetics (formerly Invitae), Labcorp
Classification: Uncertain significance. Last evaluated: 2023-06-29. Review status: criteria provided, single submitter. Criteria: Invitae Variant Classification Sherloc (09022015). Collection method: clinical testing. Allele origin: germline.
Comment: In summary, the available evidence is currently insufficient to determine the role of this variant in disease. Therefore, it has been classified as a Variant of Uncertain Significance. Algorithms developed to predict the effect of missense changes on protein structure and function output the following: SIFT: "Not Available"; PolyPhen-2: "Benign"; Align-GVGD: "Not Available". The cysteine amino acid residue is found in multiple mammalian species, which suggests that this missense change does not adversely affect protein function. ClinVar contains an entry for this variant (Variation ID: 420239). This variant has not been reported in the literature in individuals affected with CEP152-related conditions. This variant is present in population databases (rs373148073, gnomAD 0.004%). This sequence change replaces tyrosine, which is neutral and polar, with cysteine, which is neutral and slightly polar, at codon 1590 of the CEP152 protein (p.Tyr1590Cys).

GeneDx
Classification: Uncertain significance. Last evaluated: 2015-12-21. Review status: criteria provided, single submitter. Criteria: GeneDx Variant Classification (06012015). Collection method: clinical testing. Allele origin: germline. Affected: yes.
Comment: A variant of uncertain significance has been identified in the CEP152 gene. The Y1590C variant has not been published as a pathogenic variant, nor has it been reported as a benign variant to our knowledge. The Y1590C variant was not observed with any significant frequency in approximately 6,200 individuals of European and African American ancestry in the NHLBI Exome Sequencing Project. The Y1590C variant is a non-conservative amino acid substitution, which is likely to impact secondary protein structure as these residues differ in polarity, charge, size, and/or other properties. However, this substitution occurs at a position that is not conserved, and in silico analysis predicts this variant likely does not alter the protein structure/function. Therefore, based on the currently available information, it is unclear whether this variant is a pathogenic variant or a rare benign variant.

NM_001194998.2(CEP152):c.4937A>G (p.Tyr1646Cys)

Gene: CEP152 (centrosomal protein 152; minus strand). Cytogenetic location: 15q21.1.
Variant type: single nucleotide variant.
Coding change: c.4937A>G on transcript NM_001194998.2 (MANE Select); coding-DNA position 4937, A replaced by G.
Protein change: p.Tyr1646Cys; replaces tyrosine 1646 with cysteine.
Molecular consequence: missense variant.
Genome position (GRCh38, 1-based): chr15:48,738,445, T>C on the plus strand (A>G on the coding strand, the complement: CEP152 is on the minus strand). VCF-style: chr15-48738445-T-C. GRCh37 (hg19) VCF-style: chr15-49030642-T-C.
Other names: c.4769A>G, p.Tyr1590Cys (NM_014985.4); short protein forms Y1590C, Y1646C.
Identifiers: ClinVar variation 420239 (VCV000420239.7), dbSNP rs373148073, ClinGen allele CA7548011.